The following is an entry in ClinVar:

ClinVar aggregate classification (germline): Uncertain significance (1 of 4 stars; one submission).

Conditions:
Aicardi-Goutieres syndrome 4. Identifiers: Orphanet 51, MedGen C1835912, MONDO:0012472, OMIM 610333.

Allele frequency attached by ClinVar (database versions not stated): gnomAD exomes 0.00001; gnomAD 0.00001; TOPMed 0.00003.
gnomAD v4.1: 24 of 1,614,060 alleles (0.0015%); highest among the groups gnomAD compares: East Asian, 0.0045%; no homozygotes.

Submission:

Labcorp Genetics (formerly Invitae), Labcorp
Classification: Uncertain significance for Aicardi-Goutieres syndrome 4. Last evaluated: 2022-06-09. Review status: criteria provided, single submitter. Criteria: Invitae Variant Classification Sherloc (09022015). Collection method: clinical testing. Allele origin: germline.
Comment: This sequence change replaces arginine, which is basic and polar, with tryptophan, which is neutral and slightly polar, at codon 152 of the RNASEH2A protein (p.Arg152Trp). This variant is present in population databases (no rsID available, gnomAD 0.005%). This variant has not been reported in the literature in individuals affected with RNASEH2A-related conditions. Algorithms developed to predict the effect of missense changes on protein structure and function output the following: SIFT: "Deleterious"; PolyPhen-2: "Benign"; Align-GVGD: "Class C35". The tryptophan amino acid residue is found in multiple mammalian species, which suggests that this missense change does not adversely affect protein function. In summary, the available evidence is currently insufficient to determine the role of this variant in disease. Therefore, it has been classified as a Variant of Uncertain Significance.

NM_006397.3(RNASEH2A):c.454C>T (p.Arg152Trp)

Gene: RNASEH2A (ribonuclease H2 subunit A; plus strand). Cytogenetic location: 19p13.13.
Variant type: single nucleotide variant.
Coding change: c.454C>T on transcript NM_006397.3 (MANE Select); coding-DNA position 454, C replaced by T.
Protein change: p.Arg152Trp; replaces arginine 152 with tryptophan.
Molecular consequence: missense variant.
Genome position (GRCh38, 1-based): chr19:12,810,113, C>T. VCF-style: chr19-12810113-C-T. GRCh37 (hg19) VCF-style: chr19-12920927-C-T.
Other names: short protein forms R152W.
Identifiers: ClinVar variation 1468216 (VCV001468216.5), dbSNP rs942243073, ClinGen allele CA305493145.